The following is an entry in ClinVar:

NM_003002.4(SDHD):c.134G>A (p.Gly45Glu)

Gene: SDHD (succinate dehydrogenase complex subunit D; plus strand). Cytogenetic location: 11q23.1.
Variant type: single nucleotide variant.
Coding change: c.134G>A on transcript NM_003002.4 (MANE Select); coding-DNA position 134, G replaced by A.
Protein change: p.Gly45Glu; replaces glycine 45 with glutamic acid.
Molecular consequence: missense variant. On other transcripts: non-coding transcript variant (1), intron variant (1).
Genome position (GRCh38, 1-based): chr11:112,087,938, G>A. VCF-style: chr11-112087938-G-A. GRCh37 (hg19) VCF-style: chr11-111958662-G-A.
Other names: c.134G>A, p.Gly45Glu (NM_001276503.2, NM_001276506.2); c.53-929G>A (NM_001276504.2); short protein forms G45E.
Identifiers: ClinVar variation 4783671 (VCV004783671.1).
Genomic context (GRCh38, chr11:112,087,938, plus strand): 5'-TGGTCAGACCTGCTCATATCTCAGCATTTCTTCAGGACCGACCTATCCCAGAATGGTGTG[G>A]AGTGCAGCACATACACTTGTCACCGAGCCACCATTGTATGTTCTCTCCATCGCTGCTGCT-3'
Protein context (NP_002993.1, residues 35-55): LQDRPIPEWC[Gly45Glu]VQHIHLSPSH

ClinVar aggregate classification (germline): Uncertain significance (1 of 4 stars; one submission).

Conditions:
Pheochromocytoma. Also called: MAX-Related Hereditary Paraganglioma-Pheochromocytoma Syndrome. Identifiers: Orphanet 29072, MedGen C0031511, MONDO:0008233, OMIM 171300, HP:0002666.
Carney-Stratakis syndrome. Also called: PARAGANGLIOMA AND GASTROINTESTINAL STROMAL TUMOR. Identifiers: Orphanet 97286, MedGen C1847319, MONDO:0011740, OMIM 606864.
Cowden syndrome 3 (CWS3). Identifiers: Orphanet 201, MedGen CN166604, MONDO:0014045.
Paragangliomas with sensorineural hearing loss. Identifiers: MedGen C1868633.

Submission:

Labcorp Genetics (formerly Invitae), Labcorp
Classification: Uncertain significance for Carney-Stratakis syndrome; Paragangliomas with sensorineural hearing loss; Pheochromocytoma; Cowden syndrome 3. Last evaluated: 2026-01-05. Review status: criteria provided, single submitter. Criteria: Invitae Variant Classification Sherloc (09022015). Collection method: clinical testing. Allele origin: germline.
Comment: This sequence change replaces glycine, which is neutral and non-polar, with glutamic acid, which is acidic and polar, at codon 45 of the SDHD protein (p.Gly45Glu). This variant is not present in population databases (gnomAD no frequency). This variant has not been reported in the literature in individuals affected with SDHD-related conditions. Invitae Evidence Modeling of protein sequence and biophysical properties (such as structural, functional, and spatial information, amino acid conservation, physicochemical variation, residue mobility, and thermodynamic stability) indicates that this missense variant is not expected to disrupt SDHD protein function with a negative predictive value of 95%. In summary, the available evidence is currently insufficient to determine the role of this variant in disease. Therefore, it has been classified as a Variant of Uncertain Significance.